The following is an entry in ClinVar:

ClinVar aggregate classification (germline): Uncertain significance (1 of 4 stars; one submission).

Conditions:
Gastrointestinal stromal tumor. Also called: Gastrointestinal stromal tumor, somatic; Gastrointestinal stroma tumor. Identifiers: Orphanet 44890, MedGen C0238198, MeSH D046152, MONDO:0011719, OMIM 606764, HP:0100723.

Submission:

Labcorp Genetics (formerly Invitae), Labcorp
Classification: Uncertain significance for Gastrointestinal stromal tumor. Last evaluated: 2019-03-12. Review status: criteria provided, single submitter. Criteria: Invitae Variant Classification Sherloc (09022015). Collection method: clinical testing. Allele origin: germline.
Comment: Algorithms developed to predict the effect of sequence changes on RNA splicing suggest that this variant may create or strengthen a splice site, but this prediction has not been confirmed by published transcriptional studies. In summary, the available evidence is currently insufficient to determine the role of this variant in disease. Therefore, it has been classified as a Variant of Uncertain Significance. Algorithms developed to predict the effect of missense changes on protein structure and function output the following: SIFT: "Tolerated"; PolyPhen-2: "Benign"; Align-GVGD: "Class C0". The valine amino acid residue is found in multiple mammalian species, suggesting that this missense change does not adversely affect protein function. These predictions have not been confirmed by published functional studies and their clinical significance is uncertain. This variant has not been reported in the literature in individuals with PDGFRA-related conditions. This variant is not present in population databases (ExAC no frequency). This sequence change replaces leucine with valine at codon 324 of the PDGFRA protein (p.Leu324Val). The leucine residue is moderately conserved and there is a small physicochemical difference between leucine and valine.

NM_006206.6(PDGFRA):c.970T>G (p.Leu324Val)

Gene: PDGFRA (platelet derived growth factor receptor alpha; plus strand). Cytogenetic location: 4q12.
Variant type: single nucleotide variant.
Coding change: c.970T>G on transcript NM_006206.6 (MANE Select); coding-DNA position 970, T replaced by G.
Protein change: p.Leu324Val; replaces leucine 324 with valine.
Molecular consequence: missense variant.
Genome position (GRCh38, 1-based): chr4:54,267,590, T>G. VCF-style: chr4-54267590-T-G. GRCh37 (hg19) VCF-style: chr4-55133757-T-G.
Other names: c.970T>G, p.Leu324Val (NM_001347827.2, NM_001347829.2); c.1045T>G, p.Leu349Val (NM_001347828.2); c.1009T>G, p.Leu337Val (NM_001347830.2); short protein forms L324V, L337V, L349V.
Identifiers: ClinVar variation 857038 (VCV000857038.10), dbSNP rs1723110426, ClinGen allele CA356891517.
Genomic context (GRCh38, chr4:54,267,590, plus strand): 5'-ATGGAAACTCTTCCCTGTACAGAGAAAGGTTTCATTGAAATCAAACCCACCTTCAGCCAG[T>G]TGGAAGCTGTCAACCTGCATGAAGTCAAACATTTTGTTGTAGAGGTGCGGGCCTACCCAC-3'
Protein context (NP_006197.1, residues 314-334): FIEIKPTFSQ[Leu324Val]EAVNLHEVKH